The following is an entry in ClinVar:

ClinVar aggregate classification (germline): Uncertain significance. Review status: criteria provided, multiple submitters, no conflicts (2 of 4 stars). 3 submissions from 3 submitters: Uncertain significance (3). Last evaluated 2023-07-24.

Conditions:
Inborn genetic diseases. Identifiers: MedGen C0950123, MeSH D030342.

Submissions (3):

GeneDx
Classification: Uncertain significance. Last evaluated: 2023-07-24. Review status: criteria provided, single submitter. Criteria: GeneDx Variant Classification Process June 2021. Collection method: clinical testing. Allele origin: germline. Affected: yes.
Comment: Not observed at significant frequency in large population cohorts (gnomAD); In silico analysis supports that this missense variant has a deleterious effect on protein structure/function; Has not been previously published as pathogenic or benign to our knowledge

Labcorp Genetics (formerly Invitae), Labcorp
Classification: Uncertain significance. Last evaluated: 2023-01-20. Review status: criteria provided, single submitter. Criteria: Invitae Variant Classification Sherloc (09022015). Collection method: clinical testing. Allele origin: germline.
Comment: In summary, the available evidence is currently insufficient to determine the role of this variant in disease. Therefore, it has been classified as a Variant of Uncertain Significance. Advanced modeling of protein sequence and biophysical properties (such as structural, functional, and spatial information, amino acid conservation, physicochemical variation, residue mobility, and thermodynamic stability) performed at Invitae indicates that this missense variant is not expected to disrupt SCN3A protein function. This missense change has been observed in individual(s) with epileptic encephalopathy with cerebellar atrophy (Invitae). This variant is not present in population databases (gnomAD no frequency). This sequence change replaces threonine, which is neutral and polar, with isoleucine, which is neutral and non-polar, at codon 600 of the SCN3A protein (p.Thr600Ile).

Ambry Genetics
Classification: Uncertain significance for Inborn genetic diseases. Last evaluated: 2021-06-23. Review status: criteria provided, single submitter. Criteria: Ambry Variant Classification Scheme 2023. Collection method: clinical testing. Allele origin: germline.

NM_006922.4(SCN3A):c.1799C>T (p.Thr600Ile)

Gene: SCN3A (sodium voltage-gated channel alpha subunit 3; minus strand). Cytogenetic location: 2q24.3.
Variant type: single nucleotide variant.
Coding change: c.1799C>T on transcript NM_006922.4 (MANE Select); coding-DNA position 1799, C replaced by T.
Protein change: p.Thr600Ile; replaces threonine 600 with isoleucine.
Molecular consequence: missense variant.
Genome position (GRCh38, 1-based): chr2:165,140,871, G>A on the plus strand (C>T on the coding strand, the complement: SCN3A is on the minus strand). VCF-style: chr2-165140871-G-A. GRCh37 (hg19) VCF-style: chr2-165997381-G-A.
Other names: c.1799C>T, p.Thr600Ile (NM_001081676.2, NM_001081677.2); short protein forms T600I.
Identifiers: ClinVar variation 2231764 (VCV002231764.6), dbSNP rs2468324902, ClinGen allele CA349046744.